The following is an entry in ClinVar:

NM_021925.4(LDAH):c.349G>A (p.Glu117Lys)

Gene: LDAH (lipid droplet associated hydrolase; minus strand). Cytogenetic location: 2p24.1.
Variant type: single nucleotide variant.
Coding change: c.349G>A on transcript NM_021925.4 (MANE Select); coding-DNA position 349, G replaced by A.
Protein change: p.Glu117Lys; replaces glutamic acid 117 with lysine.
Molecular consequence: missense variant. On other transcripts: 5 prime UTR variant (2), non-coding transcript variant (1).
Genome position (GRCh38, 1-based): chr2:20,774,929, C>T on the plus strand (G>A on the coding strand, the complement: LDAH is on the minus strand). VCF-style: chr2-20774929-C-T. GRCh37 (hg19) VCF-style: chr2-20974689-C-T.
Other names: c.223G>A, p.Glu75Lys (NM_001282719.2, NM_001282724.2); c.205G>A, p.Glu69Lys (NM_001282720.2); c.-42G>A (NM_001282721.2, NM_001282722.2); c.349G>A, p.Glu117Lys (NM_001282723.2); short protein forms E117K, E69K, E75K.
Identifiers: ClinVar variation 2650708 (VCV002650708.24), dbSNP rs145002349, ClinGen allele CA1546406.
Genomic context (GRCh38, chr2:20,774,929, plus strand): 5'-CAATGAGCACAAGTTTCATGTCCTTTGGCACATGAGTTCTCAGGAAAGCTAGTTTGTGCT[C>T]TATTTGTCCATTTAGTCCATAAATGTCCTTAATTTCTTGAGCGTTTGAATCTAAAAGCAA-3'
Protein context (NP_068744.1, residues 107-127): KDIYGLNGQI[Glu117Lys]HKLAFLRTHV

ClinVar aggregate classification (germline): Likely benign (1 of 4 stars; one submission).

Allele frequency attached by ClinVar (database versions not stated): 1000 Genomes Project 30x 0.00203; 1000 Genomes Project 0.00220; TOPMed 0.00284; ESP Exome Variant Server 0.00338; gnomAD 0.00360; ExAC 0.00416.

Submission:

CeGaT Center for Human Genetics Tuebingen
Classification: Likely benign. Last evaluated: 2023-08-01. Review status: criteria provided, single submitter. Criteria: CeGaT Center For Human Genetics Tuebingen Variant Classification Criteria Version 2. Collection method: clinical testing. Allele origin: germline. Affected: yes. Observed: 1 variant allele.
Comment: LDAH: BP4, BS2